The following is an entry in ClinVar:

NM_006000.3(TUBA4A):c.492A>G (p.Lys164=)

Gene: TUBA4A (tubulin alpha 4a; minus strand). Cytogenetic location: 2q35.
Variant type: single nucleotide variant.
Coding change: c.492A>G on transcript NM_006000.3 (MANE Select); coding-DNA position 492, A replaced by G.
Protein change: p.Lys164=; no amino-acid change (lysine 164 retained).
Molecular consequence: synonymous variant.
Genome position (GRCh38, 1-based): chr2:219,251,207, T>C on the plus strand (A>G on the coding strand, the complement: TUBA4A is on the minus strand). VCF-style: chr2-219251207-T-C. GRCh37 (hg19) VCF-style: chr2-220115929-T-C.
Other names: c.447A>G, p.Lys149= (NM_001278552.2).
Identifiers: ClinVar variation 4989607 (VCV004989607.1).

ClinVar aggregate classification (germline): Likely benign (1 of 4 stars; one submission).

Conditions:
TUBA4A-related disorder. Also called: TUBA4A-related condition.

Submission:

PreventionGenetics, part of Exact Sciences
Classification: Likely benign for TUBA4A-related condition. Last evaluated: 2025-02-13. Review status: criteria provided, single submitter. Criteria: ACMG Guidelines, 2015. Collection method: clinical testing. Allele origin: germline.
Comment: This variant is classified as likely benign based on ACMG/AMP sequence variant interpretation guidelines (Richards et al. 2015 PMID: 25741868, with internal and published modifications).